The following is an entry in ClinVar:

ClinVar aggregate classification (germline): Likely benign. Review status: criteria provided, single submitter (1 of 4 stars). 2 submissions from 2 submitters: Likely benign (1). 1 of the submissions does not count toward it. Last evaluated 2024-03-20.

Conditions:
GFM2-related disorder. Also called: GFM2-related condition.

Allele frequency attached by ClinVar (database versions not stated): gnomAD 0.00001; gnomAD exomes 0.00003; ExAC 0.00011; 1000 Genomes Project 0.00020; 1000 Genomes Project 30x 0.00047.

Submissions (2):

Blueprint Genetics
Classification: Likely benign. Last evaluated: 2024-03-20. Review status: criteria provided, single submitter. Criteria: ACMG Guidelines, 2015. Collection method: clinical testing. Allele origin: germline.

PreventionGenetics, part of Exact Sciences
Classification: Likely benign for GFM2-related condition. Last evaluated: 2023-10-27. Review status: no assertion criteria provided. Collection method: clinical testing. Allele origin: germline. Not counted in ClinVar's aggregate classification.
Comment: This variant is classified as likely benign based on ACMG/AMP sequence variant interpretation guidelines (Richards et al. 2015 PMID: 25741868, with internal and published modifications).

NM_032380.5(GFM2):c.430+8A>G

Gene: GFM2 (GTP dependent ribosome recycling factor mitochondrial 2; minus strand). Cytogenetic location: 5q13.3.
Variant type: single nucleotide variant.
Coding change: c.430+8A>G on transcript NM_032380.5 (MANE Select); 8 bases into the intron after coding-DNA position 430, A replaced by G.
Molecular consequence: intron variant.
Genome position (GRCh38, 1-based): chr5:74,751,360, T>C on the plus strand (A>G on the coding strand, the complement: GFM2 is on the minus strand). VCF-style: chr5-74751360-T-C. GRCh37 (hg19) VCF-style: chr5-74047185-T-C.
Other names: c.430+8A>G (NM_170691.3, NM_170681.3); c.526+8A>G (NM_001281302.2).
Identifiers: ClinVar variation 3051160 (VCV003051160.3), dbSNP rs556601991, ClinGen allele CA3306812.